The following is an entry in ClinVar:

ClinVar aggregate classification (germline): Uncertain significance (1 of 4 stars; one submission).

Conditions:
Hereditary cancer-predisposing syndrome. Also called: Tumor predisposition; Neoplastic Syndromes, Hereditary; Hereditary neoplastic syndrome; Hereditary Cancer Syndrome. Identifiers: Orphanet 140162, MedGen C0027672, MeSH D009386, MONDO:0015356.

Submission:

Ambry Genetics
Classification: Uncertain significance for Hereditary cancer-predisposing syndrome. Last evaluated: 2025-08-27. Review status: criteria provided, single submitter. Criteria: Ambry Variant Classification Scheme 2023. Collection method: clinical testing. Allele origin: germline.
Comment: The p.Q478K variant (also known as c.1432C>A), located in coding exon 14 of the MUTYH gene, results from a C to A substitution at nucleotide position 1432. The glutamine at codon 478 is replaced by lysine, an amino acid with similar properties. This amino acid position is conserved. In addition, this alteration is predicted to be tolerated by in silico analysis. Based on the available evidence, the clinical significance of this variant remains unclear.

NM_001048174.2(MUTYH):c.1348C>A (p.Gln450Lys)

Gene: MUTYH (mutY DNA glycosylase; minus strand). Cytogenetic location: 1p34.1.
Variant type: single nucleotide variant.
Coding change: c.1348C>A on transcript NM_001048174.2 (MANE Select); coding-DNA position 1348, C replaced by A.
Protein change: p.Gln450Lys; replaces glutamine 450 with lysine.
Molecular consequence: missense variant. On other transcripts: non-coding transcript variant (7).
Genome position (GRCh38, 1-based): chr1:45,331,226, G>T on the plus strand (C>A on the coding strand, the complement: MUTYH is on the minus strand). VCF-style: chr1-45331226-G-T. GRCh37 (hg19) VCF-style: chr1-45796898-G-T.
Other names: c.1348C>A, p.Gln450Lys (NM_001048171.2, NM_001048173.2, NM_001293195.2 and 6 more transcripts); c.1351C>A, p.Gln451Lys (NM_001048172.2, NM_001407071.1, NM_001407078.1 and 1 more transcripts); c.1432C>A, p.Gln478Lys (NM_001128425.2); c.1393C>A, p.Gln465Lys (NM_001293190.2); c.1381C>A, p.Gln461Lys (NM_001293191.2, NM_001407069.1, NM_001407077.1); c.1072C>A, p.Gln358Lys (NM_001293192.2, NM_001293196.2, NM_001407091.1); c.1003C>A, p.Gln335Lys (NM_001350650.2, NM_001350651.2, NM_001407082.1); c.1264C>A, p.Gln422Lys (NM_001407075.1); and 5 more; short protein forms Q436K, Q437K, Q457K, Q461K, Q464K, Q450K, Q465K, Q475K.
Identifiers: ClinVar variation 4113237 (VCV004113237.1).